The following is an entry in ClinVar:

ClinVar aggregate classification (germline): Pathogenic (1 of 4 stars; one submission).

Conditions:
Usher syndrome type 2A. Also called: RETINAL DISEASE IN USHER SYNDROME TYPE IIA, MODIFIER OF; USHER SYNDROME, TYPE IIA. Identifiers: Orphanet 231178, Orphanet 886, MedGen C1848634, MONDO:0010169, OMIM 276901.

Submission:

Natera, Inc.
Classification: Pathogenic for Usher syndrome type 2A. Last evaluated: 2024-09-23. Review status: criteria provided, single submitter. Criteria: Natera Variant Classification Schema (03/2026). Collection method: clinical testing. Allele origin: germline.
Comment: The c.8781_8782delAG variant in USH2A is a frameshift variant predicted to shift the reading frame beginning at codon 2928 and leads to a stop codon 9 codons downstream. This variant is expected to result in nonsense mediated decay, truncation, or a dysfunctional protein product. This variant is rare in the general population with a frequency below the threshold expected for the associated phenotype(s). This variant has been observed in one or more individuals affected with the associated recessive disease, as either homozygous or compound heterozygous with a second variant (PMID: 36314366). Given the available evidence, this variant is classified as Pathogenic.

Literature cited by the submitters: PubMed 36314366.

NM_206933.4(USH2A):c.8781_8782del (p.Gly2928fs)

Gene: USH2A (usherin; minus strand). Cytogenetic location: 1q41.
Variant type: Microsatellite.
Coding change: c.8781_8782del on transcript NM_206933.4 (MANE Select); coding-DNA positions 8781 to 8782, 2 bases deleted (AG; older notation c.8781_8782delAG).
Protein change: p.Gly2928fs; shifts the reading frame from glycine 2928.
Molecular consequence: frameshift variant.
Genome position (GRCh38, 1-based): chr1:215,867,070-215,867,071, CT deleted on the plus strand (AG on the coding strand, the reverse complement: USH2A is on the minus strand); deleting any 2 consecutive bases within chr1:215,867,070-215,867,077 gives the same sequence; the c. name uses the placement nearest the transcript's 3' end. VCF-style (leftmost placement, unchanged base first): chr1-215867069-CCT-C. GRCh37 (hg19) VCF-style: chr1-216040411-CCT-C.
Other names: short protein forms G2928fs.
Identifiers: ClinVar variation 4817158 (VCV004817158.1).
Genomic context (GRCh38, chr1:215,867,069, plus strand): 5'-GGTTTAGCCCACCTCACGTCGATGGCTGTGTGGTTAAGGACACTCGCAGTGAGATTGGCT[CCT>C]CTCTCTGGAAGACCAGCTAACGTTGTCACAGTCACTTCTCGGCTCGGTGTAAAACCCACA-3'